The following is an entry in ClinVar:

NM_020223.4(FAM20C):c.1680C>A (p.Cys560Ter)

Gene: FAM20C (FAM20C golgi associated secretory pathway kinase; plus strand). Cytogenetic location: 7p22.3.
Variant type: single nucleotide variant.
Coding change: c.1680C>A on transcript NM_020223.4 (MANE Select); coding-DNA position 1680, C replaced by A.
Protein change: p.Cys560Ter; replaces cysteine 560 with a stop codon.
Molecular consequence: nonsense.
Genome position (GRCh38, 1-based): chr7:259,905, C>A. VCF-style: chr7-259905-C-A. GRCh37 (hg19) VCF-style: chr7-299871-C-A.
Other names: short protein forms C560*.
Identifiers: ClinVar variation 444005 (VCV000444005.1), dbSNP rs371584776, ClinGen allele CA366526439.

ClinVar aggregate classification (germline): Uncertain significance (0 of 4 stars; one submission).

Conditions:
Lethal osteosclerotic bone dysplasia (RNS). Also called: Osteomalacia, sclerosing, with cerebral calcification. Identifiers: Orphanet 1832, MedGen C1850106, MONDO:0009821, OMIM 259775.

gnomAD v4.1: 3 of 1,535,410 alleles (0.0002%); highest among the groups gnomAD compares: South Asian, 0.0036%; no homozygotes.

Submission:

Foundation for Research in Genetics and Endocrinology, FRIGE's Institute of Human Genetics
Classification: Uncertain significance for Lethal osteosclerotic bone dysplasia. Review status: no assertion criteria provided. Collection method: clinical testing. Allele origin: germline. Inheritance: Autosomal recessive inheritance. Affected: yes. Observed: 1 variant allele, 1 homozygote.
Comment: Variant c.1680C>A (p.C560X) has not been reported in 1000 genomes and ExAC databases. The in silico prediction of this variant is damaging by MutationTaster2.